The following is an entry in ClinVar:

ClinVar aggregate classification (germline): Uncertain significance (1 of 4 stars; one submission).

Conditions:
Autosomal recessive mendelian susceptibility to mycobacterial diseases due to complete RORgamma receptor deficiency. Also called: Immunodeficiency 42. Identifiers: Orphanet 477857, MedGen C5567647, MONDO:0014710, OMIM 616622.

Allele frequency attached by ClinVar (database versions not stated): gnomAD 0.00001; TOPMed 0.00001.
gnomAD v4.1: 1 of 1,612,836 alleles (0.000062%); highest among the groups gnomAD compares: Non-Finnish European, 0.000085%; no homozygotes.

Submission:

Labcorp Genetics (formerly Invitae), Labcorp
Classification: Uncertain significance for Autosomal recessive mendelian susceptibility to mycobacterial diseases due to complete RORgamma receptor deficiency. Last evaluated: 2022-07-12. Review status: criteria provided, single submitter. Criteria: Invitae Variant Classification Sherloc (09022015). Collection method: clinical testing. Allele origin: germline.
Comment: In summary, the available evidence is currently insufficient to determine the role of this variant in disease. Therefore, it has been classified as a Variant of Uncertain Significance. Algorithms developed to predict the effect of missense changes on protein structure and function are either unavailable or do not agree on the potential impact of this missense change (SIFT: "Deleterious"; PolyPhen-2: "Probably Damaging"; Align-GVGD: "Class C0"). ClinVar contains an entry for this variant (Variation ID: 1433816). This variant has not been reported in the literature in individuals affected with RORC-related conditions. This variant is not present in population databases (gnomAD no frequency). This sequence change replaces glutamine, which is neutral and polar, with histidine, which is basic and polar, at codon 286 of the RORC protein (p.Gln286His).

NM_005060.4(RORC):c.858G>T (p.Gln286His)

Gene: RORC (RAR related orphan receptor C; minus strand). Cytogenetic location: 1q21.3.
Variant type: single nucleotide variant.
Coding change: c.858G>T on transcript NM_005060.4 (MANE Select); coding-DNA position 858, G replaced by T.
Protein change: p.Gln286His; replaces glutamine 286 with histidine.
Molecular consequence: missense variant.
Genome position (GRCh38, 1-based): chr1:151,814,649, C>A on the plus strand (G>T on the coding strand, the complement: RORC is on the minus strand). VCF-style: chr1-151814649-C-A. GRCh37 (hg19) VCF-style: chr1-151787125-C-A.
Other names: c.795G>T, p.Gln265His (NM_001001523.2); short protein forms Q265H, Q286H.
Identifiers: ClinVar variation 1433816 (VCV001433816.5), dbSNP rs760810577, ClinGen allele CA342014359.